The following is an entry in ClinVar:

NM_004530.6(MMP2):c.1_2del (p.Met1fs)

Gene: MMP2 (matrix metallopeptidase 2; plus strand). Cytogenetic location: 16q12.2.
Variant type: Deletion.
Coding change: c.1_2del on transcript NM_004530.6 (MANE Select); coding-DNA positions 1 to 2, 2 bases deleted (AT; older notation c.1_2delAT).
Protein change: p.Met1fs; shifts the reading frame from methionine 1.
Molecular consequence: frameshift variant, initiator codon variant. On other transcripts: intron variant (1).
Genome position (GRCh38, 1-based): chr16:55,479,480-55,479,481, AT deleted. VCF-style (leftmost placement, unchanged base first): chr16-55479479-GAT-G. GRCh37 (hg19) VCF-style: chr16-55513391-GAT-G.
Other names: c.-76+515_-76+516del (NM_001302508.1); short protein forms M1fs.
Identifiers: ClinVar variation 1967032 (VCV001967032.3), dbSNP rs17859834, ClinGen allele CA281395135.

ClinVar aggregate classification (germline): Uncertain significance (1 of 4 stars; one submission).

Allele frequency attached by ClinVar (database versions not stated): gnomAD 0.00001; gnomAD exomes 0.00001; TOPMed 0.00003.

Submission:

Labcorp Genetics (formerly Invitae), Labcorp
Classification: Uncertain significance. Last evaluated: 2022-06-15. Review status: criteria provided, single submitter. Criteria: Invitae Variant Classification Sherloc (09022015). Collection method: clinical testing. Allele origin: germline.
Comment: This sequence change affects the initiator methionine of the MMP2 mRNA. The next in-frame methionine is located at codon 5. This variant is present in population databases (rs17859834, gnomAD 0.001%). This variant has not been reported in the literature in individuals affected with MMP2-related conditions. In summary, the available evidence is currently insufficient to determine the role of this variant in disease. Therefore, it has been classified as a Variant of Uncertain Significance.